The following is an entry in ClinVar:

ClinVar aggregate classification (germline): Uncertain significance (1 of 4 stars; one submission).

Conditions:
Kabuki syndrome. Also called: NIIKAWA-KUROKI SYNDROME; Kabuki make-up syndrome. Identifiers: Orphanet 2322, MedGen C0796004, MONDO:0016512.

Submission:

Labcorp Genetics (formerly Invitae), Labcorp
Classification: Uncertain significance for Kabuki syndrome. Last evaluated: 2022-09-24. Review status: criteria provided, single submitter. Criteria: Invitae Variant Classification Sherloc (09022015). Collection method: clinical testing. Allele origin: germline.
Comment: This sequence change replaces proline, which is neutral and non-polar, with serine, which is neutral and polar, at codon 719 of the KMT2D protein (p.Pro719Ser). This variant is not present in population databases (gnomAD no frequency). This variant has not been reported in the literature in individuals affected with KMT2D-related conditions. Advanced modeling of protein sequence and biophysical properties (such as structural, functional, and spatial information, amino acid conservation, physicochemical variation, residue mobility, and thermodynamic stability) performed at Invitae indicates that this missense variant is not expected to disrupt KMT2D protein function. In summary, the available evidence is currently insufficient to determine the role of this variant in disease. Therefore, it has been classified as a Variant of Uncertain Significance.

NM_003482.4(KMT2D):c.2155C>T (p.Pro719Ser)

Gene: KMT2D (lysine methyltransferase 2D; minus strand). Cytogenetic location: 12q13.12.
Variant type: single nucleotide variant.
Coding change: c.2155C>T on transcript NM_003482.4 (MANE Select); coding-DNA position 2155, C replaced by T.
Protein change: p.Pro719Ser; replaces proline 719 with serine.
Molecular consequence: missense variant.
Genome position (GRCh38, 1-based): chr12:49,051,528, G>A on the plus strand (C>T on the coding strand, the complement: KMT2D is on the minus strand). VCF-style: chr12-49051528-G-A. GRCh37 (hg19) VCF-style: chr12-49445311-G-A.
Other names: short protein forms P719S.
Identifiers: ClinVar variation 1720278 (VCV001720278.5), dbSNP rs2120671405, ClinGen allele CA384668149.